The following is an entry in ClinVar:

ClinVar aggregate classification (germline): Conflicting classifications of pathogenicity. Review status: criteria provided, conflicting classifications (1 of 4 stars). 6 submissions from 6 submitters: Uncertain significance (2); Benign (1); Likely benign (3). Last evaluated 2025-04-21.

Conditions:
Hereditary cancer-predisposing syndrome. Also called: Neoplastic Syndromes, Hereditary; Hereditary neoplastic syndrome; Tumor predisposition; Hereditary Cancer Syndrome. Identifiers: Orphanet 140162, MedGen C0027672, MeSH D009386, MONDO:0015356.
Tuberous sclerosis syndrome (TSC). Also called: Tuberous sclerosis; Tuberous Sclerosis Complex. Identifiers: Orphanet 805, MedGen C0041341, MONDO:0001734.
Tuberous sclerosis 2 (TSC2). Identifiers: Orphanet 805, MedGen C1860707, MONDO:0013199, OMIM 613254.

Allele frequency attached by ClinVar (database versions not stated): gnomAD exomes below 0.00001; TOPMed below 0.00001; gnomAD 0.00001.
gnomAD v4.1: 6 of 1,613,876 alleles (0.00037%); highest among the groups gnomAD compares: Non-Finnish European, 0.00051%; no homozygotes.

Submissions (6):

Labcorp Genetics (formerly Invitae), Labcorp
Classification: Likely benign for Tuberous sclerosis 2. Last evaluated: 2025-04-21. Review status: criteria provided, single submitter. Criteria: Invitae Variant Classification Sherloc (09022015). Collection method: clinical testing. Allele origin: germline.

All of Us Research Program, National Institutes of Health
Classification: Uncertain significance for Tuberous sclerosis syndrome. Last evaluated: 2024-03-24. Review status: criteria provided, single submitter. Criteria: ACMG Guidelines, 2015. Collection method: clinical testing. Allele origin: germline. Inheritance: Autosomal dominant inheritance. Observed: 4 variant alleles, 4 heterozygotes.
Comment: This missense variant replaces proline with histidine at codon 28 of the TSC2 protein. Computational prediction suggests that this variant may not impact protein structure and function (internally defined REVEL score threshold <= 0.5, PMID: 27666373). To our knowledge, functional studies have not been reported for this variant. This variant has not been reported in individuals affected with tuberous sclerosis complex in the literature. This variant has not been identified in the general population by the Genome Aggregation Database (gnomAD). The available evidence is insufficient to determine the role of this variant in disease conclusively. Therefore, this variant is classified as a Variant of Uncertain Significance.

This study involves interpretation of variants in research participants for the purpose of population health screening. Participant phenotype was not available at the time of variant classification. Additional details can be found in publication PMID: 35346344, PMCID: PMC8962531

Color Diagnostics, LLC DBA Color Health
Classification: Uncertain significance for Tuberous sclerosis syndrome. Last evaluated: 2024-03-06. Review status: criteria provided, single submitter. Criteria: ACMG Guidelines, 2015. Collection method: clinical testing. Allele origin: germline.
Comment: This missense variant replaces proline with histidine at codon 28 of the TSC2 protein. Computational prediction suggests that this variant may not impact protein structure and function. To our knowledge, functional studies have not been reported for this variant. This variant has not been reported in individuals affected with tuberous sclerosis complex in the literature. This variant has not been identified in the general population by the Genome Aggregation Database (gnomAD). The available evidence is insufficient to determine the role of this variant in disease conclusively. Therefore, this variant is classified as a Variant of Uncertain Significance.

Genome-Nilou Lab
Classification: Benign for Tuberous sclerosis 2. Last evaluated: 2021-11-07. Review status: criteria provided, single submitter. Criteria: ACMG Guidelines, 2015. Collection method: clinical testing. Allele origin: germline. Affected: no.

Ambry Genetics
Classification: Likely benign for Hereditary cancer-predisposing syndrome. Last evaluated: 2020-06-02. Review status: criteria provided, single submitter. Criteria: Ambry Variant Classification Scheme 2023. Collection method: clinical testing. Allele origin: germline.

GeneDx
Classification: Likely benign. Last evaluated: 2016-03-25. Review status: criteria provided, single submitter. Criteria: GeneDx Variant Classification (06012015). Collection method: clinical testing. Allele origin: germline. Affected: yes.
Comment: This variant is considered likely benign or benign based on one or more of the following criteria: it is a conservative change, it occurs at a poorly conserved position in the protein, it is predicted to be benign by multiple in silico algorithms, and/or has population frequency not consistent with disease.

NM_000548.5(TSC2):c.83C>A (p.Pro28His)

Gene: TSC2 (TSC complex subunit 2; plus strand). Cytogenetic location: 16p13.3.
Variant type: single nucleotide variant.
Coding change: c.83C>A on transcript NM_000548.5 (MANE Select); coding-DNA position 83, C replaced by A.
Protein change: p.Pro28His; replaces proline 28 with histidine.
Molecular consequence: missense variant. On other transcripts: 5 prime UTR variant (1), intron variant (1).
Genome position (GRCh38, 1-based): chr16:2,048,698, C>A. VCF-style: chr16-2048698-C-A. GRCh37 (hg19) VCF-style: chr16-2098699-C-A.
Other names: c.-144C>A (NM_001318831.2); c.116C>A, p.Pro39His (NM_001318832.2); c.83C>A, p.Pro28His (NM_001363528.2, NM_001370404.1, NM_001370405.1 and 4 more transcripts); c.-10+633C>A (NM_001318829.2); short protein forms P28H, P39H.
Identifiers: ClinVar variation 385045 (VCV000385045.18), dbSNP rs1057522105, ClinGen allele CA16607134.